The following is an entry in ClinVar:

ClinVar aggregate classification (germline): Likely benign. Review status: criteria provided, multiple submitters, no conflicts (2 of 4 stars). 3 submissions from 3 submitters: Likely benign (3). Last evaluated 2025-08-22.

Conditions:
Hereditary cancer-predisposing syndrome. Also called: Hereditary Cancer Syndrome; Tumor predisposition; Neoplastic Syndromes, Hereditary; Hereditary neoplastic syndrome. Identifiers: Orphanet 140162, MedGen C0027672, MeSH D009386, MONDO:0015356.
Microcephaly, normal intelligence and immunodeficiency (NBS). Also called: Nijmegen breakage syndrome; Microcephaly with normal intelligence immunodeficiency and lymphoreticular malignancies; Nonsyndromal microcephaly autosomal recessive with normal intelligence; Seemanova syndrome 2; Ataxia telangiectasia variant V1; BERLIN BREAKAGE SYNDROME. Identifiers: Orphanet 647, MedGen C0398791, MONDO:0009623, OMIM 251260.

Submissions (3):

Ambry Genetics
Classification: Likely benign for Hereditary cancer-predisposing syndrome. Last evaluated: 2025-08-22. Review status: criteria provided, single submitter. Criteria: Ambry Variant Classification Scheme 2023. Collection method: clinical testing. Allele origin: germline.

Labcorp Genetics (formerly Invitae), Labcorp
Classification: Likely benign for Microcephaly, normal intelligence and immunodeficiency. Last evaluated: 2023-03-04. Review status: criteria provided, single submitter. Criteria: Invitae Variant Classification Sherloc (09022015). Collection method: clinical testing. Allele origin: germline.

GeneDx
Classification: Likely benign. Last evaluated: 2018-01-10. Review status: criteria provided, single submitter. Criteria: GeneDx Variant Classification (06012015). Collection method: clinical testing. Allele origin: germline. Affected: yes.
Comment: This variant is considered likely benign or benign based on one or more of the following criteria: it is a conservative change, it occurs at a poorly conserved position in the protein, it is predicted to be benign by multiple in silico algorithms, and/or has population frequency not consistent with disease.

NM_002485.5(NBN):c.1833T>C (p.Ser611=)

Gene: NBN (nibrin; minus strand). Cytogenetic location: 8q21.3.
Variant type: single nucleotide variant.
Coding change: c.1833T>C on transcript NM_002485.5 (MANE Select); coding-DNA position 1833, T replaced by C.
Protein change: p.Ser611=; no amino-acid change (serine 611 retained).
Molecular consequence: synonymous variant.
Genome position (GRCh38, 1-based): chr8:89,953,256, A>G on the plus strand (T>C on the coding strand, the complement: NBN is on the minus strand). VCF-style: chr8-89953256-A-G. GRCh37 (hg19) VCF-style: chr8-90965484-A-G.
Other names: c.1587T>C, p.Ser529= (NM_001024688.3).
Identifiers: ClinVar variation 514635 (VCV000514635.10), dbSNP rs1554558203, ClinGen allele CA462114533.
Genomic context (GRCh38, chr8:89,953,256, plus strand): 5'-CATTCTAAGCTTCTATGTACTATACCTCTCATTTAAAATGTTACTTACAGATATTTTGCT[A>G]CTTTCTGGTACTGCTTCATCACTGAAAGTGTCATTTGTTTCTATATCCATCCTTGGCCTT-3'
Protein context (NP_002476.2, residues 601-621): DTFSDEAVPE[Ser611=]SKISQENEIG